The following is an entry in ClinVar:

NM_000138.5(FBN1):c.163G>A (p.Gly55Arg)

Gene: FBN1 (fibrillin 1; minus strand). Cytogenetic location: 15q21.1.
Variant type: single nucleotide variant.
Coding change: c.163G>A on transcript NM_000138.5 (MANE Select); coding-DNA position 163, G replaced by A.
Protein change: p.Gly55Arg; replaces glycine 55 with arginine.
Molecular consequence: missense variant.
Genome position (GRCh38, 1-based): chr15:48,644,607, C>T on the plus strand (G>A on the coding strand, the complement: FBN1 is on the minus strand). VCF-style: chr15-48644607-C-T. GRCh37 (hg19) VCF-style: chr15-48936804-C-T.
Other names: c.163G>A, p.Gly55Arg (NM_001406716.1, NM_001406717.1, NM_001406718.1); short protein forms G55R.
Identifiers: ClinVar variation 2632608 (VCV002632608.1), dbSNP rs1566944812, ClinGen allele CA392453409.

ClinVar aggregate classification (germline): Uncertain significance (1 of 4 stars; one submission).

Conditions:
FBN1-related disorder. Also called: FBN1-related disorders.

Submission:

PreventionGenetics, part of Exact Sciences
Classification: Uncertain significance for FBN1-related condition. Last evaluated: 2023-06-26. Review status: criteria provided, single submitter. Criteria: ACMG Guidelines, 2015. Collection method: clinical testing. Allele origin: germline.
Comment: The FBN1 c.163G>A variant is predicted to result in the amino acid substitution p.Gly55Arg. To our knowledge, this variant has not been reported in the literature or in a large population database, indicating this variant is rare. An alternative variant at the same amino acid (p.Gly55Glu) has been reported in patients with Marfan syndrome (Wang et al. 2013. PubMed ID: 22772377; At this time, the clinical significance of this variant is uncertain due to the absence of conclusive functional and genetic evidence.